The following is an entry in ClinVar:

ClinVar aggregate classification (germline): Likely benign (1 of 4 stars; one submission).

Allele frequency attached by ClinVar (database versions not stated): ExAC 0.00001; TOPMed 0.00001.
gnomAD v4.1: 3 of 1,614,070 alleles (0.00019%); highest among the groups gnomAD compares: Admixed American, 0.0017%; no homozygotes.

Submission:

CeGaT Center for Human Genetics Tuebingen
Classification: Likely benign. Last evaluated: 2022-04-01. Review status: criteria provided, single submitter. Criteria: CeGaT Center For Human Genetics Tuebingen Variant Classification Criteria Version 2. Collection method: clinical testing. Allele origin: germline. Affected: yes. Observed: 1 variant allele.
Comment: OR10C1: BP4, BP7

NM_013941.4(OR10C1):c.411C>T (p.His137=)

Genes: OR10C1 (olfactory receptor family 10 subfamily C member 1; plus strand), OR11A1 (olfactory receptor family 11 subfamily A member 1; minus strand). Cytogenetic location: 6p22.1.
Variant type: single nucleotide variant.
Coding change: c.411C>T on transcript NM_013941.4 (MANE Select); coding-DNA position 411, C replaced by T.
Protein change: p.His137=; no amino-acid change (histidine 137 retained).
Molecular consequence: synonymous variant. On other transcripts: intron variant (1).
Genome position (GRCh38, 1-based): chr6:29,440,426, C>T. VCF-style: chr6-29440426-C-T. GRCh37 (hg19) VCF-style: chr6-29408203-C-T.
Other names: c.-388-8439G>A (NM_001394828.1).
Identifiers: ClinVar variation 2656320 (VCV002656320.24), dbSNP rs763072767, ClinGen allele CA3688707.
Genomic context (GRCh38, chr6:29,440,426, plus strand): 5'-GGCCTATGACCGCTATGCAGCCATCTGTGAACCCCTCCGCTACCCACTGCTGCTGAGCCA[C>T]CGGGTGTGTCTACAGCTAGCTGGGTCGGCGTGGGCCTGTGGGGTGCTGGTGGGGCTGGGC-3'
Protein context (NP_039229.3, residues 127-147): EPLRYPLLLS[His137=]RVCLQLAGSA